The following is an entry in ClinVar:

NM_000548.5(TSC2):c.4716G>T (p.Thr1572=)

Gene: TSC2 (TSC complex subunit 2; plus strand). Cytogenetic location: 16p13.3.
Variant type: single nucleotide variant.
Coding change: c.4716G>T on transcript NM_000548.5 (MANE Select); coding-DNA position 4716, G replaced by T.
Protein change: p.Thr1572=; no amino-acid change (threonine 1572 retained).
Molecular consequence: synonymous variant.
Genome position (GRCh38, 1-based): chr16:2,086,246, G>T. VCF-style: chr16-2086246-G-T. GRCh37 (hg19) VCF-style: chr16-2136247-G-T.
Other names: c.4515G>T, p.Thr1505= (NM_001077183.3); c.4647G>T, p.Thr1549= (NM_001114382.3); c.4407G>T, p.Thr1469= (NM_001318827.2); c.4371G>T, p.Thr1457= (NM_001318829.2); c.3984G>T, p.Thr1328= (NM_001318831.2); c.4548G>T, p.Thr1516= (NM_001318832.2); c.4518G>T, p.Thr1506= (NM_001363528.2); c.4584G>T, p.Thr1528= (NM_001370404.1); and 1 more.
Identifiers: ClinVar variation 486669 (VCV000486669.21), dbSNP rs369346726, ClinGen allele CA493043525.

ClinVar aggregate classification (germline): Benign/Likely benign. Review status: criteria provided, multiple submitters, no conflicts (2 of 4 stars). 6 submissions from 6 submitters: Benign (2); Likely benign (4). Last evaluated 2025-06-04.

Conditions:
Tuberous sclerosis syndrome (TSC). Also called: Tuberous Sclerosis Complex; Tuberous sclerosis. Identifiers: Orphanet 805, MedGen C0041341, MONDO:0001734.
Tuberous sclerosis 2 (TSC2). Identifiers: Orphanet 805, MedGen C1860707, MONDO:0013199, OMIM 613254.
Hereditary cancer-predisposing syndrome. Also called: Tumor predisposition; Neoplastic Syndromes, Hereditary; Hereditary Cancer Syndrome; Hereditary neoplastic syndrome. Identifiers: Orphanet 140162, MedGen C0027672, MeSH D009386, MONDO:0015356.

Submissions (6):

Myriad Genetics, Inc.
Classification: Benign for Tuberous sclerosis 2. Last evaluated: 2025-06-04. Review status: criteria provided, single submitter. Criteria: Myriad Autosomal Dominant, Autosomal Recessive and X-Linked Classification Criteria (2023). Collection method: clinical testing. Allele origin: unknown.
Comment: This variant is considered benign. This variant is a silent/synonymous amino acid change and it is not expected to impact splicing.

Labcorp Genetics (formerly Invitae), Labcorp
Classification: Likely benign for Tuberous sclerosis 2. Last evaluated: 2024-05-08. Review status: criteria provided, single submitter. Criteria: Invitae Variant Classification Sherloc (09022015). Collection method: clinical testing. Allele origin: germline.

All of Us Research Program, National Institutes of Health
Classification: Likely benign for Tuberous sclerosis syndrome. Last evaluated: 2023-06-26. Review status: criteria provided, single submitter. Criteria: ACMG Guidelines, 2015. Collection method: clinical testing. Allele origin: germline. Inheritance: Autosomal dominant inheritance. Observed: 1 variant allele, 1 heterozygote.
Comment: This study involves interpretation of variants in research participants for the purpose of population health screening. Participant phenotype was not available at the time of variant classification. Additional details can be found in publication PMID: 35346344, PMCID: PMC8962531

Color Diagnostics, LLC DBA Color Health
Classification: Likely benign for Tuberous sclerosis syndrome. Last evaluated: 2023-05-03. Review status: criteria provided, single submitter. Criteria: ACMG Guidelines, 2015. Collection method: clinical testing. Allele origin: germline.

Genome-Nilou Lab
Classification: Benign for Tuberous sclerosis 2. Last evaluated: 2021-11-07. Review status: criteria provided, single submitter. Criteria: ACMG Guidelines, 2015. Collection method: clinical testing. Allele origin: germline. Affected: no.

Ambry Genetics
Classification: Likely benign for Hereditary cancer-predisposing syndrome. Last evaluated: 2017-06-01. Review status: criteria provided, single submitter. Criteria: Ambry Variant Classification Scheme 2023. Collection method: clinical testing. Allele origin: germline.